The following is an entry in ClinVar:

NM_001605.3(AARS1):c.1466A>G (p.Tyr489Cys)

Gene: AARS1 (alanyl-tRNA synthetase 1; minus strand). Cytogenetic location: 16q22.1.
Variant type: single nucleotide variant.
Coding change: c.1466A>G on transcript NM_001605.3 (MANE Select); coding-DNA position 1466, A replaced by G.
Protein change: p.Tyr489Cys; replaces tyrosine 489 with cysteine.
Molecular consequence: missense variant.
Genome position (GRCh38, 1-based): chr16:70,264,984, T>C on the plus strand (A>G on the coding strand, the complement: AARS1 is on the minus strand). VCF-style: chr16-70264984-T-C. GRCh37 (hg19) VCF-style: chr16-70298887-T-C.
Other names: short protein forms Y489C.
Identifiers: ClinVar variation 2093526 (VCV002093526.4), dbSNP rs2507008158, ClinGen allele CA396561156.
Genomic context (GRCh38, chr16:70,264,984, plus strand): 5'-AATGCTCAGATGTGGAAGGAGCACAGCAACATACCATAGCTACCACTGGAGTCCAAATGG[T>C]AATTGTACTTTGGGGAATCATCTGTGACCTCCAGACCCCGTGCCCGGAGCTCTTCGATAG-3'
Protein context (NP_001596.2, residues 479-499): EVTDDSPKYN[Tyr489Cys]HLDSSGSYVF

ClinVar aggregate classification (germline): Uncertain significance (1 of 4 stars; one submission).

Conditions:
Charcot-Marie-Tooth disease type 2. Also called: Charcot-Marie-Tooth type 2. Identifiers: Orphanet 64746, MedGen C0270914, MONDO:0018993.

Submission:

Labcorp Genetics (formerly Invitae), Labcorp
Classification: Uncertain significance for Charcot-Marie-Tooth disease type 2. Last evaluated: 2023-02-15. Review status: criteria provided, single submitter. Criteria: Invitae Variant Classification Sherloc (09022015). Collection method: clinical testing. Allele origin: germline.
Comment: This variant is not present in population databases (gnomAD no frequency). This sequence change replaces tyrosine, which is neutral and polar, with cysteine, which is neutral and slightly polar, at codon 489 of the AARS protein (p.Tyr489Cys). This variant has not been reported in the literature in individuals affected with AARS-related conditions. An algorithm developed to predict the effect of missense changes on protein structure and function (PolyPhen-2) suggests that this variant is likely to be disruptive. In summary, the available evidence is currently insufficient to determine the role of this variant in disease. Therefore, it has been classified as a Variant of Uncertain Significance.